The following is an entry in ClinVar:

NM_000535.7(PMS2):c.2589_*12del (p.Ter863CysextTer?)

Gene: PMS2 (PMS1 homolog 2, mismatch repair system component; minus strand). Cytogenetic location: 7p22.1.
Variant type: Deletion.
Coding change: c.2589_*12del on transcript NM_000535.7 (MANE Select); coding-DNA position 2589 through 12 bases downstream of the stop codon, 13 bases deleted (ACCGTAGTCACTG).
Protein change: p.Ter863CysextTer?.
Molecular consequence: frameshift variant, stop lost. On other transcripts: non-coding transcript variant (1).
Genome position (GRCh38, 1-based): chr7:5,973,387-5,973,399, CAGTGACTACGGT deleted on the plus strand (ACCGTAGTCACTG on the coding strand, the reverse complement: PMS2 is on the minus strand); deleting any 13 consecutive bases within chr7:5,973,387-5,973,403 gives the same sequence; the c. name uses the placement nearest the transcript's 3' end. VCF-style (leftmost placement, unchanged base first): chr7-5973386-ACAGTGACTACGGT-A. GRCh37 (hg19) VCF-style: chr7-6013017-ACAGTGACTACGGT-A.
Other names: c.2184_*12del, p.Ter728CysextTer? (NM_001322003.2, NM_001322004.2, NM_001322005.2); c.2433_*12del, p.Ter811CysextTer? (NM_001322006.2); c.2271_*12del, p.Ter757CysextTer? (NM_001322007.2, NM_001322008.2); c.2217_*12del, p.Ter739CysextTer? (NM_001322009.2); c.2028_*12del, p.Ter676CysextTer? (NM_001322010.2); c.1656_*12del, p.Ter552CysextTer? (NM_001322011.2, NM_001322012.2); c.2016_*12del, p.Ter672CysextTer? (NM_001322013.2); c.2622_*12del, p.Ter874CysextTer? (NM_001322014.2); and 1 more.
Identifiers: ClinVar variation 1019510 (VCV001019510.6), dbSNP rs1781476068, ClinGen allele CA1685245896.

ClinVar aggregate classification (germline): Uncertain significance (1 of 4 stars; one submission).

Conditions:
Hereditary nonpolyposis colorectal neoplasms. Identifiers: MedGen C0009405, MeSH D003123.

Submission:

Labcorp Genetics (formerly Invitae), Labcorp
Classification: Uncertain significance for Hereditary nonpolyposis colorectal neoplasms. Last evaluated: 2025-03-31. Review status: criteria provided, single submitter. Criteria: Invitae Variant Classification Sherloc (09022015). Collection method: clinical testing. Allele origin: germline.
Comment: This sequence change disrupts the translational stop signal of the PMS2 mRNA. It is expected to extend the length of the PMS2 protein by 3 additional amino acid residues. The frequency data for this variant in the population databases (gnomAD) is considered unreliable due to the presence of homologous sequence, such as pseudogenes or paralogs, in the genome. This variant has not been reported in the literature in individuals affected with PMS2-related conditions. ClinVar contains an entry for this variant (Variation ID: 1019510). In summary, the available evidence is currently insufficient to determine the role of this variant in disease. Therefore, it has been classified as a Variant of Uncertain Significance.